The following is an entry in ClinVar:

ClinVar aggregate classification (germline): Uncertain significance (1 of 4 stars; one submission).

Conditions:
Oligodontia-cancer predisposition syndrome. Also called: TOOTH AGENESIS-COLORECTAL CANCER SYNDROME. Identifiers: Orphanet 300576, MedGen C1837750, MONDO:0012075, OMIM 608615. Disease mechanism: loss of function.

Submission:

Labcorp Genetics (formerly Invitae), Labcorp
Classification: Uncertain significance for Oligodontia-cancer predisposition syndrome. Last evaluated: 2021-09-09. Review status: criteria provided, single submitter. Criteria: Invitae Variant Classification Sherloc (09022015). Collection method: clinical testing. Allele origin: germline.
Comment: This sequence change replaces alanine with valine at codon 113 of the AXIN2 protein (p.Ala113Val). The alanine residue is highly conserved and there is a small physicochemical difference between alanine and valine. This variant is not present in population databases (ExAC no frequency). This variant has not been reported in the literature in individuals with AXIN2-related conditions. Algorithms developed to predict the effect of missense changes on protein structure and function (SIFT, PolyPhen-2, Align-GVGD) all suggest that this variant is likely to be disruptive, but these predictions have not been confirmed by published functional studies and their clinical significance is uncertain. In summary, the available evidence is currently insufficient to determine the role of this variant in disease. Therefore, it has been classified as a Variant of Uncertain Significance.

NM_004655.4(AXIN2):c.338C>T (p.Ala113Val)

Gene: AXIN2 (axin 2; minus strand). Cytogenetic location: 17q24.1.
Variant type: single nucleotide variant.
Coding change: c.338C>T on transcript NM_004655.4 (MANE Select); coding-DNA position 338, C replaced by T.
Protein change: p.Ala113Val; replaces alanine 113 with valine.
Molecular consequence: missense variant.
Genome position (GRCh38, 1-based): chr17:65,558,283, G>A on the plus strand (C>T on the coding strand, the complement: AXIN2 is on the minus strand). VCF-style: chr17-65558283-G-A. GRCh37 (hg19) VCF-style: chr17-63554401-G-A.
Other names: c.338C>T, p.Ala113Val (NM_001363813.1); short protein forms A113V.
Identifiers: ClinVar variation 1475609 (VCV001475609.8), dbSNP rs2144587693, ClinGen allele CA400681613.
Genomic context (GRCh38, chr17:65,558,283, plus strand): 5'-GCTTTGGCTACTCGTAAAGTTTTGGTATCCTTCAGGTTCATCTGCCTGAATCCATTGCAG[G>A]CAAACCAGAAGTCTAAGGTATCCACGCATTTCTCCCTCTCCAGGAAAGTTCGGAACAGGT-3'
Protein context (NP_004646.3, residues 103-123): KCVDTLDFWF[Ala113Val]CNGFRQMNLK